The following is an entry in ClinVar:

NM_001018113.3(FANCB):c.1765A>G (p.Thr589Ala)

Gene: FANCB (FA complementation group B; minus strand). Cytogenetic location: Xp22.2.
Variant type: single nucleotide variant.
Coding change: c.1765A>G on transcript NM_001018113.3 (MANE Select); coding-DNA position 1765, A replaced by G.
Protein change: p.Thr589Ala; replaces threonine 589 with alanine.
Molecular consequence: missense variant.
Genome position (GRCh38, 1-based): chrX:14,845,018, T>C on the plus strand (A>G on the coding strand, the complement: FANCB is on the minus strand). VCF-style: chrX-14845018-T-C. GRCh37 (hg19) VCF-style: chrX-14863140-T-C.
Other names: c.1765A>G, p.Thr589Ala (NM_001324162.2, NM_001410764.1, NM_152633.4); short protein forms T589A.
Identifiers: ClinVar variation 2049527 (VCV002049527.4), dbSNP rs975151235, ClinGen allele CA327057936.
Genomic context (GRCh38, chrX:14,845,018, plus strand): 5'-AGTTACCACTTTCTCTCTCCATAATTTGTAGCAGTACAGTGCAACAAAATTTACTGAATG[T>C]TAAAAGTGGTGAAAGAGATGTTACAGCAGTAATTATCTGTACACACTCTTTCTTAGATGG-3'
Protein context (NP_001018123.1, residues 579-599): TAVTSLSPLL[Thr589Ala]FSKFCCTVLL

ClinVar aggregate classification (germline): Uncertain significance (1 of 4 stars; one submission).

Conditions:
Fanconi anemia (FA). Also called: Fanconi's anemia. Identifiers: Orphanet 84, MedGen C0015625, MeSH D005199, MONDO:0019391.

Allele frequency attached by ClinVar (database versions not stated): gnomAD exomes below 0.00001.
gnomAD v4.1: 5 of 1,210,001 alleles (0.00041%); highest among the groups gnomAD compares: Non-Finnish European, 0.00056%; no homozygotes.

Submission:

Labcorp Genetics (formerly Invitae), Labcorp
Classification: Uncertain significance for Fanconi anemia. Last evaluated: 2023-10-04. Review status: criteria provided, single submitter. Criteria: Invitae Variant Classification Sherloc (09022015). Collection method: clinical testing. Allele origin: germline.
Comment: This sequence change replaces threonine, which is neutral and polar, with alanine, which is neutral and non-polar, at codon 589 of the FANCB protein (p.Thr589Ala). This variant is not present in population databases (gnomAD no frequency). This variant has not been reported in the literature in individuals affected with FANCB-related conditions. ClinVar contains an entry for this variant (Variation ID: 2049527). Advanced modeling of protein sequence and biophysical properties (such as structural, functional, and spatial information, amino acid conservation, physicochemical variation, residue mobility, and thermodynamic stability) performed at Invitae indicates that this missense variant is not expected to disrupt FANCB protein function. Algorithms developed to predict the effect of sequence changes on RNA splicing suggest that this variant may create or strengthen a splice site. In summary, the available evidence is currently insufficient to determine the role of this variant in disease. Therefore, it has been classified as a Variant of Uncertain Significance.